The following is an entry in ClinVar:

ClinVar aggregate classification (germline): Uncertain significance (1 of 4 stars; one submission).

Conditions:
Dyskeratosis congenita, autosomal recessive 5 (DKCB5). Identifiers: MedGen C3554656, MONDO:0014076, OMIM 615190.
Pulmonary fibrosis and/or bone marrow failure, Telomere-related, 3. Also called: PULMONARY FIBROSIS AND/OR BONE MARROW FAILURE SYNDROME, TELOMERE-RELATED, 3. Identifiers: Orphanet 2032, MedGen C4225346, MONDO:0014613, OMIM 616373.

Submission:

Labcorp Genetics (formerly Invitae), Labcorp
Classification: Uncertain significance for Dyskeratosis congenita, autosomal recessive 5; Pulmonary fibrosis and/or bone marrow failure, Telomere-related, 3. Last evaluated: 2022-03-08. Review status: criteria provided, single submitter. Criteria: Invitae Variant Classification Sherloc (09022015). Collection method: clinical testing. Allele origin: germline.
Comment: This sequence change replaces aspartic acid, which is acidic and polar, with asparagine, which is neutral and polar, at codon 811 of the RTEL1 protein (p.Asp811Asn). This variant is not present in population databases (gnomAD no frequency). This variant has not been reported in the literature in individuals affected with RTEL1-related conditions. Algorithms developed to predict the effect of missense changes on protein structure and function output the following: SIFT: "Deleterious"; PolyPhen-2: "Benign"; Align-GVGD: "Class C0". The asparagine amino acid residue is found in multiple mammalian species, which suggests that this missense change does not adversely affect protein function. In summary, the available evidence is currently insufficient to determine the role of this variant in disease. Therefore, it has been classified as a Variant of Uncertain Significance.

NM_001283009.2(RTEL1):c.2431G>A (p.Asp811Asn)

Genes: RTEL1 (regulator of telomere elongation helicase 1; plus strand), RTEL1-TNFRSF6B (RTEL1-TNFRSF6B readthrough (NMD candidate); plus strand). Cytogenetic location: 20q13.33.
Variant type: single nucleotide variant.
Coding change: c.2431G>A on transcript NM_001283009.2 (MANE Select); coding-DNA position 2431, G replaced by A.
Protein change: p.Asp811Asn; replaces aspartic acid 811 with asparagine.
Molecular consequence: missense variant. On other transcripts: non-coding transcript variant (1).
Genome position (GRCh38, 1-based): chr20:63,690,822, G>A. VCF-style: chr20-63690822-G-A. GRCh37 (hg19) VCF-style: chr20-62322175-G-A.
Other names: c.1762G>A, p.Asp588Asn (NM_001283010.1); c.2431G>A, p.Asp811Asn (NM_016434.4); c.2503G>A, p.Asp835Asn (NM_032957.5); short protein forms D835N, D588N, D811N.
Identifiers: ClinVar variation 2157625 (VCV002157625.1), dbSNP rs2517147384, ClinGen allele CA409681397.